The following is an entry in ClinVar:

ClinVar aggregate classification (germline): Uncertain significance (1 of 4 stars; one submission).

Submission:

Labcorp Genetics (formerly Invitae), Labcorp
Classification: Uncertain significance. Last evaluated: 2022-07-15. Review status: criteria provided, single submitter. Criteria: Invitae Variant Classification Sherloc (09022015). Collection method: clinical testing. Allele origin: germline.
Comment: In summary, the available evidence is currently insufficient to determine the role of this variant in disease. Therefore, it has been classified as a Variant of Uncertain Significance. Algorithms developed to predict the effect of missense changes on protein structure and function (SIFT, PolyPhen-2, Align-GVGD) all suggest that this variant is likely to be tolerated. This variant has not been reported in the literature in individuals affected with CHMP1A-related conditions. This variant is not present in population databases (gnomAD no frequency). This sequence change replaces aspartic acid, which is acidic and polar, with glutamic acid, which is acidic and polar, at codon 163 of the CHMP1A protein (p.Asp163Glu).

NM_002768.5(CHMP1A):c.489C>A (p.Asp163Glu)

Gene: CHMP1A (charged multivesicular body protein 1A; minus strand). Cytogenetic location: 16q24.3.
Variant type: single nucleotide variant.
Coding change: c.489C>A on transcript NM_002768.5 (MANE Select); coding-DNA position 489, C replaced by A.
Protein change: p.Asp163Glu; replaces aspartic acid 163 with glutamic acid.
Molecular consequence: missense variant. On other transcripts: non-coding transcript variant (1).
Genome position (GRCh38, 1-based): chr16:89,646,607, G>T on the plus strand (C>A on the coding strand, the complement: CHMP1A is on the minus strand). VCF-style: chr16-89646607-G-T. GRCh37 (hg19) VCF-style: chr16-89713015-G-T.
Other names: c.469C>A, p.Pro157Thr (NM_001083314.4); short protein forms P157T, D163E.
Identifiers: ClinVar variation 2045414 (VCV002045414.4), dbSNP rs1200062483, ClinGen allele CA397432160.
Genomic context (GRCh38, chr16:89,646,607, plus strand): 5'-CTGGCTGCGCACAGAGCTCTCGCCCACGGCAGAGGCGCCCTCGGGCAGCTGGCTGAGCTG[G>T]TCCAGCACCTCCAGGCCATTCTCCTCGGCGATCTGCATGATGAGGCTGTCCACCTGCTCC-3'
Protein context (NP_002759.2, residues 153-173): IAEENGLEVL[Asp163Glu]QLSQLPEGAS